The following is an entry in ClinVar:

ClinVar aggregate classification (germline): Uncertain significance (1 of 4 stars; one submission).

gnomAD v4.1: 2 of 1,614,176 alleles (0.00012%); highest among the groups gnomAD compares: Non-Finnish European, 0.00017%; no homozygotes.

Submission:

Labcorp Genetics (formerly Invitae), Labcorp
Classification: Uncertain significance. Last evaluated: 2024-08-10. Review status: criteria provided, single submitter. Criteria: Invitae Variant Classification Sherloc (09022015). Collection method: clinical testing. Allele origin: germline.
Comment: This sequence change replaces phenylalanine, which is neutral and non-polar, with leucine, which is neutral and non-polar, at codon 872 of the PIKFYVE protein (p.Phe872Leu). This variant is not present in population databases (gnomAD no frequency). This variant has not been reported in the literature in individuals affected with PIKFYVE-related conditions. An algorithm developed to predict the effect of missense changes on protein structure and function (PolyPhen-2) suggests that this variant is likely to be disruptive. In summary, the available evidence is currently insufficient to determine the role of this variant in disease. Therefore, it has been classified as a Variant of Uncertain Significance.

NM_015040.4(PIKFYVE):c.2616T>A (p.Phe872Leu)

Gene: PIKFYVE (phosphoinositide kinase, FYVE-type zinc finger containing; plus strand). Cytogenetic location: 2q34.
Variant type: single nucleotide variant.
Coding change: c.2616T>A on transcript NM_015040.4 (MANE Select); coding-DNA position 2616, T replaced by A.
Protein change: p.Phe872Leu; replaces phenylalanine 872 with leucine.
Molecular consequence: missense variant.
Genome position (GRCh38, 1-based): chr2:208,325,427, T>A. VCF-style: chr2-208325427-T-A. GRCh37 (hg19) VCF-style: chr2-209190151-T-A.
Other names: short protein forms F872L.
Identifiers: ClinVar variation 3611528 (VCV003611528.2).